The following is an entry in ClinVar:

ClinVar aggregate classification (germline): Uncertain significance (1 of 4 stars; one submission).

Allele frequency attached by ClinVar (database versions not stated): ExAC 0.00006; gnomAD 0.00018; TOPMed 0.00018; ESP Exome Variant Server 0.00023.

Submission:

Women's Health and Genetics/Laboratory Corporation of America, LabCorp
Classification: Uncertain significance. Last evaluated: 2024-01-02. Review status: criteria provided, single submitter. Criteria: LabCorp Variant Classification Summary - May 2015. Collection method: clinical testing. Allele origin: germline.
Comment: Variant summary: JAG2 c.3046C>T (p.Arg1016Trp) results in a non-conservative amino acid change in the encoded protein sequence. Three of five in-silico tools predict a damaging effect of the variant on protein function. The variant allele was found at a frequency of 5.5e-05 in 234372 control chromosomes (gnomAD). This frequency is not significantly higher than estimated for a pathogenic variant in JAG2 causing Muscular Dystrophy, Limb-Girdle, Autosomal Recessive 27 (5.5e-05 vs 0.0011), allowing no conclusion about variant significance. To our knowledge, no occurrence of c.3046C>T in individuals affected with Muscular Dystrophy, Limb-Girdle, Autosomal Recessive 27 and no experimental evidence demonstrating its impact on protein function have been reported. No submitters have cited clinical-significance assessments for this variant to ClinVar after 2014. Based on the evidence outlined above, the variant was classified as uncertain significance.

NM_002226.5(JAG2):c.3046C>T (p.Arg1016Trp)

Gene: JAG2 (jagged canonical Notch ligand 2; minus strand). Cytogenetic location: 14q32.33.
Variant type: single nucleotide variant.
Coding change: c.3046C>T on transcript NM_002226.5 (MANE Select); coding-DNA position 3046, C replaced by T.
Protein change: p.Arg1016Trp; replaces arginine 1016 with tryptophan.
Molecular consequence: missense variant.
Genome position (GRCh38, 1-based): chr14:105,144,968, G>A on the plus strand (C>T on the coding strand, the complement: JAG2 is on the minus strand). VCF-style: chr14-105144968-G-A. GRCh37 (hg19) VCF-style: chr14-105611305-G-A.
Other names: c.2932C>T, p.Arg978Trp (NM_145159.3); short protein forms R1016W, R978W.
Identifiers: ClinVar variation 3063894 (VCV003063894.1), dbSNP rs140173764, ClinGen allele CA7385352.